The following is an entry in ClinVar:

ClinVar aggregate classification (germline): Pathogenic (1 of 4 stars; one submission).

Conditions:
Spondyloepiphyseal dysplasia with congenital joint dislocations (SEDCJD). Also called: Chondrodysplasia with Congenital Joint Dislocations, CHST3-Related. Identifiers: Orphanet 263463, MedGen C1837657, MONDO:0007738, OMIM 143095.

gnomAD v4.1: 1 of 1,605,408 alleles (0.000062%); highest among the groups gnomAD compares: Non-Finnish European, 0.000085%; no homozygotes.

Submission:

Labcorp Genetics (formerly Invitae), Labcorp
Classification: Pathogenic for Spondyloepiphyseal dysplasia with congenital joint dislocations. Last evaluated: 2022-09-25. Review status: criteria provided, single submitter. Criteria: Invitae Variant Classification Sherloc (09022015). Collection method: clinical testing. Allele origin: germline.
Comment: This variant disrupts a region of the CHST3 protein in which other variant(s) (p.Glu268*) have been determined to be pathogenic (PMID: 26572954). This suggests that this is a clinically significant region of the protein, and that variants that disrupt it are likely to be disease-causing. This sequence change creates a premature translational stop signal (p.Glu112*) in the CHST3 gene. While this is not anticipated to result in nonsense mediated decay, it is expected to disrupt the last 368 amino acid(s) of the CHST3 protein. This variant is not present in population databases (gnomAD no frequency). This variant has not been reported in the literature in individuals affected with CHST3-related conditions. ClinVar contains an entry for this variant (Variation ID: 1039079). Algorithms developed to predict the effect of sequence changes on RNA splicing suggest that this variant may create or strengthen a splice site. For these reasons, this variant has been classified as Pathogenic.

Literature cited by the submitters: PubMed 26572954.

NM_004273.5(CHST3):c.334G>T (p.Glu112Ter)

Gene: CHST3 (carbohydrate sulfotransferase 3; plus strand). Cytogenetic location: 10q22.1.
Variant type: single nucleotide variant.
Coding change: c.334G>T on transcript NM_004273.5 (MANE Select); coding-DNA position 334, G replaced by T.
Protein change: p.Glu112Ter; replaces glutamic acid 112 with a stop codon.
Molecular consequence: nonsense.
Genome position (GRCh38, 1-based): chr10:72,007,365, G>T. VCF-style: chr10-72007365-G-T. GRCh37 (hg19) VCF-style: chr10-73767123-G-T.
Other names: short protein forms E112*.
Identifiers: ClinVar variation 1039079 (VCV001039079.6), dbSNP rs751470049, ClinGen allele CA377143415.
Genomic context (GRCh38, chr10:72,007,365, plus strand): 5'-AGCCGTCTCCGCAACCTCAGCTTGCAGCTGGGCGTGGAGCCAGCCATGGAGGCCGCAGGG[G>T]AGGAAGAGGAAGAGCAGAGAAAGGAGGAGGAGCCGCCCAGACCGGCCGTGGCGGGGCCCC-3'